The following is an entry in ClinVar:

NM_001370259.2(MEN1):c.1072G>A (p.Glu358Lys)

Gene: MEN1 (menin 1; minus strand). Cytogenetic location: 11q13.1.
Variant type: single nucleotide variant.
Coding change: c.1072G>A on transcript NM_001370259.2 (MANE Select); coding-DNA position 1072, G replaced by A.
Protein change: p.Glu358Lys; replaces glutamic acid 358 with lysine.
Molecular consequence: missense variant.
Genome position (GRCh38, 1-based): chr11:64,805,748, C>T on the plus strand (G>A on the coding strand, the complement: MEN1 is on the minus strand). VCF-style: chr11-64805748-C-T. GRCh37 (hg19) VCF-style: chr11-64573220-C-T.
Other names: c.1072G>A (NM_130799.2); c.1087G>A, p.Glu363Lys (NM_000244.4, NM_130800.3, NM_130801.3 and 3 more transcripts); c.1198G>A, p.Glu400Lys (NM_001370251.2); c.1072G>A, p.Glu358Lys (NM_001370260.2, NM_001370261.2, NM_130799.3); c.967G>A, p.Glu323Lys (NM_001370262.2, NM_001370263.2); short protein forms E358K, E363K, E400K, E323K.
Identifiers: ClinVar variation 1425043 (VCV001425043.9), dbSNP rs1941674204, ClinGen allele CA381182846.

ClinVar aggregate classification (germline): Uncertain significance. Review status: criteria provided, multiple submitters, no conflicts (2 of 4 stars). 2 submissions from 2 submitters: Uncertain significance (2). Last evaluated 2025-08-13.

Conditions:
Hereditary cancer-predisposing syndrome. Also called: Hereditary neoplastic syndrome; Tumor predisposition; Hereditary Cancer Syndrome; Neoplastic Syndromes, Hereditary. Identifiers: Orphanet 140162, MedGen C0027672, MeSH D009386, MONDO:0015356.
Multiple endocrine neoplasia, type 1 (MEN1). Also called: MEA I; MEN I; WERMER SYNDROME; Endocrine adenomatosis multiple; MEN 1. Identifiers: Orphanet 652, MedGen C0025267, MeSH D018761, MONDO:0007540, OMIM 131100.

Allele frequency attached by ClinVar (database versions not stated): gnomAD exomes below 0.00001.

Submissions (2):

Ambry Genetics
Classification: Uncertain significance for Hereditary cancer-predisposing syndrome. Last evaluated: 2025-08-13. Review status: criteria provided, single submitter. Criteria: Ambry Variant Classification Scheme 2023. Collection method: clinical testing. Allele origin: germline.
Comment: The p.E358K variant (also known as c.1072G>A), located in coding exon 7 of the MEN1 gene, results from a G to A substitution at nucleotide position 1072. The glutamic acid at codon 358 is replaced by lysine, an amino acid with similar properties. This amino acid position is highly conserved in available vertebrate species. In addition, this alteration is predicted to be deleterious by in silico analysis. Based on the available evidence, the clinical significance of this variant remains unclear.

Labcorp Genetics (formerly Invitae), Labcorp
Classification: Uncertain significance for Multiple endocrine neoplasia, type 1. Last evaluated: 2024-04-06. Review status: criteria provided, single submitter. Criteria: Invitae Variant Classification Sherloc (09022015). Collection method: clinical testing. Allele origin: germline.
Comment: This sequence change replaces glutamic acid, which is acidic and polar, with lysine, which is basic and polar, at codon 358 of the MEN1 protein (p.Glu358Lys). This variant is not present in population databases (gnomAD no frequency). This variant has not been reported in the literature in individuals affected with MEN1-related conditions. ClinVar contains an entry for this variant (Variation ID: 1425043). Advanced modeling of protein sequence and biophysical properties (such as structural, functional, and spatial information, amino acid conservation, physicochemical variation, residue mobility, and thermodynamic stability) performed at Invitae indicates that this missense variant is expected to disrupt MEN1 protein function with a positive predictive value of 95%. In summary, the available evidence is currently insufficient to determine the role of this variant in disease. Therefore, it has been classified as a Variant of Uncertain Significance.